The following is an entry in ClinVar:

NM_021813.4(BACH2):c.2522C>G (p.Thr841Ser)

Gene: BACH2 (BACH transcriptional regulator 2; minus strand). Cytogenetic location: 6q15.
Variant type: single nucleotide variant.
Coding change: c.2522C>G on transcript NM_021813.4 (MANE Select); coding-DNA position 2522, C replaced by G.
Protein change: p.Thr841Ser; replaces threonine 841 with serine.
Molecular consequence: missense variant.
Genome position (GRCh38, 1-based): chr6:89,932,412, G>C on the plus strand (C>G on the coding strand, the complement: BACH2 is on the minus strand). VCF-style: chr6-89932412-G-C. GRCh37 (hg19) VCF-style: chr6-90642131-G-C.
Other names: c.2522C>G, p.Thr841Ser (NM_001170794.2); c.2522C>G (NM_021813.2); short protein forms T841S.
Identifiers: ClinVar variation 2900541 (VCV002900541.4), dbSNP rs751211841, ClinGen allele CA3927773.
Genomic context (GRCh38, chr6:89,932,412, plus strand): 5'-GACTGAAGAACGCCTGGATGGGAGAGGTGTGCGGACTGGGAGGCAGAGCCGAGTCACTAG[G>C]TATAATCTTTCCTGGGCTGTTCGTCAGTTGTACACTTATCAGTCATTTCCTGGCAGAAGT-3'
Protein context (NP_068585.1, residues 831-841): TTDEQPRKDY[Thr841Ser]

ClinVar aggregate classification (germline): Uncertain significance. Review status: criteria provided, multiple submitters, no conflicts (2 of 4 stars). 2 submissions from 2 submitters: Uncertain significance (2). Last evaluated 2026-01-01.

Allele frequency attached by ClinVar (database versions not stated): gnomAD 0.00001; gnomAD exomes 0.00002; TOPMed 0.00002; ExAC 0.00001.
gnomAD v4.1: 37 of 1,611,144 alleles (0.0023%); highest among the groups gnomAD compares: Non-Finnish European, 0.0029%; no homozygotes.

Submissions (2):

Labcorp Genetics (formerly Invitae), Labcorp
Classification: Uncertain significance. Last evaluated: 2026-01-01. Review status: criteria provided, single submitter. Criteria: Invitae Variant Classification Sherloc (09022015). Collection method: clinical testing. Allele origin: germline.
Comment: This sequence change replaces threonine, which is neutral and polar, with serine, which is neutral and polar, at codon 841 of the BACH2 protein (p.Thr841Ser). This variant is present in population databases (rs751211841, gnomAD 0.002%). This variant has not been reported in the literature in individuals affected with BACH2-related conditions. ClinVar contains an entry for this variant (Variation ID: 2900541). Invitae Evidence Modeling of protein sequence and biophysical properties (such as structural, functional, and spatial information, amino acid conservation, physicochemical variation, residue mobility, and thermodynamic stability) has been performed for this missense variant. However, the output from this modeling did not meet the statistical confidence thresholds required to predict the impact of this variant on BACH2 protein function. In summary, the available evidence is currently insufficient to determine the role of this variant in disease. Therefore, it has been classified as a Variant of Uncertain Significance.

Ambry Genetics
Classification: Uncertain significance. Last evaluated: 2025-05-15. Review status: criteria provided, single submitter. Criteria: Ambry Variant Classification Scheme 2023. Collection method: clinical testing. Allele origin: germline.